The following is an entry in ClinVar:

ClinVar aggregate classification (germline): Benign. Review status: criteria provided, single submitter (1 of 4 stars). 2 submissions from 2 submitters: Benign (1). 1 of the submissions does not count toward it. Last evaluated 2025-09-17.

Conditions:
FGD1-related disorder. Also called: FGD1-related condition; FGD1-related disorders.

Allele frequency attached by ClinVar (database versions not stated): gnomAD exomes 0.00001; gnomAD 0.00002; ExAC 0.00004; TOPMed 0.00004; 1000 Genomes Project 0.00053; 1000 Genomes Project 30x 0.00062.

Submissions (2):

Labcorp Genetics (formerly Invitae), Labcorp
Classification: Benign. Last evaluated: 2025-09-17. Review status: criteria provided, single submitter. Criteria: Invitae Variant Classification Sherloc (09022015). Collection method: clinical testing. Allele origin: germline.

PreventionGenetics, part of Exact Sciences
Classification: Likely benign for FGD1-related condition. Last evaluated: 2022-06-02. Review status: no assertion criteria provided. Collection method: clinical testing. Allele origin: germline. Not counted in ClinVar's aggregate classification.
Comment: This variant is classified as likely benign based on ACMG/AMP sequence variant interpretation guidelines (Richards et al. 2015 PMID: 25741868, with internal and published modifications).

NM_004463.3(FGD1):c.1740C>T (p.Gly580=)

Gene: FGD1 (FYVE, RhoGEF and PH domain containing 1; minus strand). Cytogenetic location: Xp11.22.
Variant type: single nucleotide variant.
Coding change: c.1740C>T on transcript NM_004463.3 (MANE Select); coding-DNA position 1740, C replaced by T.
Protein change: p.Gly580=; no amino-acid change (glycine 580 retained).
Molecular consequence: synonymous variant.
Genome position (GRCh38, 1-based): chrX:54,456,322, G>A on the plus strand (C>T on the coding strand, the complement: FGD1 is on the minus strand). VCF-style: chrX-54456322-G-A. GRCh37 (hg19) VCF-style: chrX-54482755-G-A.
Identifiers: ClinVar variation 3032969 (VCV003032969.4), dbSNP rs750857434, ClinGen allele CA10425053.